The following is an entry in ClinVar:

ClinVar aggregate classification (germline): Uncertain significance. Review status: criteria provided, multiple submitters, no conflicts (2 of 4 stars). 2 submissions from 2 submitters: Uncertain significance (2). Last evaluated 2021-10-06.

Conditions:
Inborn genetic diseases. Identifiers: MedGen C0950123, MeSH D030342.

Allele frequency attached by ClinVar (database versions not stated): gnomAD 0.00002 and 0.00005; TOPMed 0.00002; gnomAD exomes 0.00006 and 0.00008; ExAC 0.00007; 1000 Genomes Project 0.00060; 1000 Genomes Project 30x 0.00062.
gnomAD v4.1: 100 of 1,614,178 alleles (0.0062%); highest among the groups gnomAD compares: South Asian, 0.032%; no homozygotes.

Submissions (2):

Ambry Genetics
Classification: Uncertain significance for Inborn genetic diseases. Last evaluated: 2021-10-06. Review status: criteria provided, single submitter. Criteria: Ambry Variant Classification Scheme 2023. Collection method: clinical testing. Allele origin: germline.

Labcorp Genetics (formerly Invitae), Labcorp
Classification: Uncertain significance. Last evaluated: 2021-09-08. Review status: criteria provided, single submitter. Criteria: Invitae Variant Classification Sherloc (09022015). Collection method: clinical testing. Allele origin: germline.
Comment: Algorithms developed to predict the effect of missense changes on protein structure and function output the following: SIFT: "Deleterious"; PolyPhen-2: "Benign"; Align-GVGD: "Class C0". The cysteine amino acid residue is found in multiple mammalian species, suggesting that this missense change does not adversely affect protein function. These predictions have not been confirmed by published functional studies and their clinical significance is uncertain. This variant has not been reported in the literature in individuals with CCDC8-related conditions. This variant is present in population databases (rs532222986, ExAC 0.04%). This sequence change replaces arginine with cysteine at codon 492 of the CCDC8 protein (p.Arg492Cys). The arginine residue is moderately conserved and there is a large physicochemical difference between arginine and cysteine. In summary, the available evidence is currently insufficient to determine the role of this variant in disease. Therefore, it has been classified as a Variant of Uncertain Significance.

NM_032040.5(CCDC8):c.1474C>T (p.Arg492Cys)

Gene: CCDC8 (coiled-coil domain containing 8; minus strand). Cytogenetic location: 19q13.32.
Variant type: single nucleotide variant.
Coding change: c.1474C>T on transcript NM_032040.5 (MANE Select); coding-DNA position 1474, C replaced by T.
Protein change: p.Arg492Cys; replaces arginine 492 with cysteine.
Molecular consequence: missense variant.
Genome position (GRCh38, 1-based): chr19:46,411,337, G>A on the plus strand (C>T on the coding strand, the complement: CCDC8 is on the minus strand). VCF-style: chr19-46411337-G-A. GRCh37 (hg19) VCF-style: chr19-46914594-G-A.
Other names: c.1474C>T (NM_032040.3); short protein forms R492C.
Identifiers: ClinVar variation 1436362 (VCV001436362.7), dbSNP rs532222986, ClinGen allele CA9528476.